The following is an entry in ClinVar:

ClinVar aggregate classification (germline): Uncertain significance (1 of 4 stars; one submission).

Allele frequency attached by ClinVar (database versions not stated): gnomAD exomes below 0.00001; TOPMed below 0.00001; gnomAD 0.00001; 1000 Genomes Project 30x 0.00031.

Submission:

Labcorp Genetics (formerly Invitae), Labcorp
Classification: Uncertain significance. Last evaluated: 2021-12-24. Review status: criteria provided, single submitter. Criteria: Invitae Variant Classification Sherloc (09022015). Collection method: clinical testing. Allele origin: germline.
Comment: This variant is not present in population databases (gnomAD no frequency). This sequence change replaces glutamic acid, which is acidic and polar, with glutamine, which is neutral and polar, at codon 664 of the RASA2 protein (p.Glu664Gln). This variant has not been reported in the literature in individuals affected with RASA2-related conditions. Algorithms developed to predict the effect of missense changes on protein structure and function are either unavailable or do not agree on the potential impact of this missense change (SIFT: "Tolerated"; PolyPhen-2: "Possibly Damaging"; Align-GVGD: "Class C0"). In summary, the available evidence is currently insufficient to determine the role of this variant in disease. Therefore, it has been classified as a Variant of Uncertain Significance.

NM_006506.5(RASA2):c.1990G>C (p.Glu664Gln)

Gene: RASA2 (RAS p21 protein activator 2; plus strand). Cytogenetic location: 3q23.
Variant type: single nucleotide variant.
Coding change: c.1990G>C on transcript NM_006506.5 (MANE Select); coding-DNA position 1990, G replaced by C.
Protein change: p.Glu664Gln; replaces glutamic acid 664 with glutamine.
Molecular consequence: missense variant.
Genome position (GRCh38, 1-based): chr3:141,607,734, G>C. VCF-style: chr3-141607734-G-C. GRCh37 (hg19) VCF-style: chr3-141326576-G-C.
Other names: c.1993G>C, p.Glu665Gln (NM_001303245.3); c.2002G>C, p.Glu668Gln (NM_001303246.3); short protein forms E668Q, E665Q, E664Q.
Identifiers: ClinVar variation 1353819 (VCV001353819.6), dbSNP rs1050173224, ClinGen allele CA84636562.